The following is an entry in ClinVar:

NM_182493.3(MYLK3):c.1016T>A (p.Ile339Lys)

Gene: MYLK3 (myosin light chain kinase 3; minus strand). Cytogenetic location: 16q11.2.
Variant type: single nucleotide variant.
Coding change: c.1016T>A on transcript NM_182493.3 (MANE Select); coding-DNA position 1016, T replaced by A.
Protein change: p.Ile339Lys; replaces isoleucine 339 with lysine.
Molecular consequence: missense variant. On other transcripts: 5 prime UTR variant (1).
Genome position (GRCh38, 1-based): chr16:46,732,654, A>T on the plus strand (T>A on the coding strand, the complement: MYLK3 is on the minus strand). VCF-style: chr16-46732654-A-T. GRCh37 (hg19) VCF-style: chr16-46766566-A-T.
Other names: c.-8T>A (NM_001308301.1); short protein forms I339K.
Identifiers: ClinVar variation 2728196 (VCV002728196.3), dbSNP rs534005345, ClinGen allele CA8038089.

ClinVar aggregate classification (germline): Uncertain significance (1 of 4 stars; one submission).

Allele frequency attached by ClinVar (database versions not stated): ExAC 0.00007; 1000 Genomes Project 30x 0.00016; 1000 Genomes Project 0.00020.
gnomAD v4.1: 25 of 1,520,646 alleles (0.0016%); highest among the groups gnomAD compares: South Asian, 0.031%; no homozygotes.

Submission:

Labcorp Genetics (formerly Invitae), Labcorp
Classification: Uncertain significance. Last evaluated: 2023-11-10. Review status: criteria provided, single submitter. Criteria: Invitae Variant Classification Sherloc (09022015). Collection method: clinical testing. Allele origin: germline.
Comment: This sequence change replaces isoleucine, which is neutral and non-polar, with lysine, which is basic and polar, at codon 339 of the MYLK3 protein (p.Ile339Lys). This variant is present in population databases (rs534005345, gnomAD 0.04%). This variant has not been reported in the literature in individuals affected with MYLK3-related conditions. An algorithm developed to predict the effect of missense changes on protein structure and function (PolyPhen-2) suggests that this variant is likely to be tolerated. In summary, the available evidence is currently insufficient to determine the role of this variant in disease. Therefore, it has been classified as a Variant of Uncertain Significance.